The following is an entry in ClinVar:

ClinVar aggregate classification (germline): Conflicting classifications of pathogenicity. Review status: criteria provided, conflicting classifications (1 of 4 stars). 4 submissions from 3 submitters: Uncertain significance (1); Benign (2); Likely benign (1). Last evaluated 2026-05-01.

Conditions:
Hawkinsinuria. Identifiers: Orphanet 2118, MedGen C2931042, MONDO:0007700, OMIM 140350, HP:0034457.
Tyrosinemia type III. Also called: Tyrosinemia type 3; 4-alpha hydroxyphenylpyruvic acid oxidase deficiency; 4-alpha hydroxyphenylpyruvate dioxygenase deficiency; 4-Hydroxyphenylpyruvate dioxygenase deficiency; 4-HYDROXYPHENYLPYRUVIC ACID OXIDASE DEFICIENCY. Identifiers: Orphanet 69723, MedGen C0268623, MONDO:0010162, OMIM 276710.

Allele frequency attached by ClinVar (database versions not stated): 1000 Genomes Project 0.00040; gnomAD exomes 0.00046 and 0.00075; gnomAD 0.00048; ExAC 0.00052; TOPMed 0.00054; 1000 Genomes Project 30x 0.00062; ESP Exome Variant Server 0.00062.
gnomAD v4.1: 1,170 of 1,614,054 alleles (0.072%); highest among the groups gnomAD compares: Admixed American, 0.13%; 3 homozygotes.

Submissions (4):

CeGaT Center for Human Genetics Tuebingen
Classification: Likely benign. Last evaluated: 2026-05-01. Review status: criteria provided, single submitter. Criteria: CeGaT Center For Human Genetics Tuebingen Variant Classification Criteria Version 2. Collection method: clinical testing. Allele origin: germline. Affected: yes. Observed: 1 variant allele.
Comment: HPD: BP4, BP7

Labcorp Genetics (formerly Invitae), Labcorp
Classification: Benign for Tyrosinemia type III; Hawkinsinuria. Last evaluated: 2025-12-26. Review status: criteria provided, single submitter. Criteria: Invitae Variant Classification Sherloc (09022015). Collection method: clinical testing. Allele origin: germline.

Illumina Laboratory Services, Illumina
Classification: Benign for Hawkinsinuria. Last evaluated: 2018-01-13. Review status: criteria provided, single submitter. Criteria: ICSL Variant Classification Criteria 13 December 2019. Collection method: clinical testing. Allele origin: germline.
Comment: This variant was observed in the ICSL laboratory as part of a predisposition screen in an ostensibly healthy population. It had not been previously curated by ICSL or reported in the Human Gene Mutation Database (HGMD: prior to June 1st, 2018), and was therefore a candidate for classification through an automated scoring system. Utilizing variant allele frequency, disease prevalence and penetrance estimates, and inheritance mode, an automated score was calculated to assess if this variant is too frequent to cause the disease. Based on the score and internal cut-off values, a variant classified as benign is not then subjected to further curation. The score for this variant resulted in a classification of benign for this disease.

Illumina Laboratory Services, Illumina
Classification: Uncertain significance for Tyrosinemia type III. Last evaluated: 2018-01-13. Review status: criteria provided, single submitter. Criteria: ICSL Variant Classification Criteria 13 December 2019. Collection method: clinical testing. Allele origin: germline.

NM_002150.3(HPD):c.294C>T (p.Phe98=)

Genes: HPD (4-hydroxyphenylpyruvate dioxygenase; minus strand), TIALD (transcript inducer of AURKA lysosomal degradation; plus strand), LOC126861662 (MED14-independent group 3 enhancer GRCh37_chr12:122293687-122294886; plus strand). Cytogenetic location: 12q24.31.
Variant type: single nucleotide variant.
Coding change: c.294C>T on transcript NM_002150.3 (MANE Select); coding-DNA position 294, C replaced by T.
Protein change: p.Phe98=; no amino-acid change (phenylalanine 98 retained).
Molecular consequence: synonymous variant.
Genome position (GRCh38, 1-based): chr12:121,856,354, G>A on the plus strand (C>T on the coding strand, the complement: HPD is on the minus strand). VCF-style: chr12-121856354-G-A. GRCh37 (hg19) VCF-style: chr12-122294260-G-A.
Other names: c.177C>T, p.Phe59= (NM_001171993.2).
Identifiers: ClinVar variation 307487 (VCV000307487.14), dbSNP rs117079110, ClinGen allele CA6839727.